The following is an entry in ClinVar:

NM_004006.3(DMD):c.3786+5G>C

Gene: DMD (dystrophin; minus strand). Cytogenetic location: Xp21.1.
Variant type: single nucleotide variant.
Coding change: c.3786+5G>C on transcript NM_004006.3 (MANE Select); 5 bases into the intron after coding-DNA position 3786, G replaced by C.
Molecular consequence: intron variant.
Genome position (GRCh38, 1-based): chrX:32,448,451, C>G on the plus strand (G>C on the coding strand, the complement: DMD is on the minus strand). VCF-style: chrX-32448451-C-G. GRCh37 (hg19) VCF-style: chrX-32466568-C-G.
Other names: c.3762+5G>C (NM_000109.4); c.3774+5G>C (NM_004009.3); c.3417+5G>C (NM_004010.3).
Identifiers: ClinVar variation 1806402 (VCV001806402.2), dbSNP rs2524241766, ClinGen allele CA2580100721.
Genomic context (GRCh38, chrX:32,448,451, plus strand): 5'-CACTATGCCTCACATATGACCATGTATTGACATATCATTGACAAAGACCAAGAAAAGCAA[C>G]TGACTTCCAAAGTCTTGCATTTCCCATTCAGCCTAGTGCAGAGCCACTGGTAGTTGGTGG-3'

ClinVar aggregate classification (germline): Conflicting classifications of pathogenicity. Review status: criteria provided, conflicting classifications (1 of 4 stars). 2 submissions from 2 submitters: Likely pathogenic (1); Uncertain significance (1). Last evaluated 2026-09-08.

Conditions:
Duchenne muscular dystrophy (DMD). Also called: MUSCULAR DYSTROPHY, PSEUDOHYPERTROPHIC PROGRESSIVE, DUCHENNE TYPE; Duchenne Muscular Dystrophy (DMD). Identifiers: Orphanet 98896, MedGen C0013264, MONDO:0010679, OMIM 310200.
Becker muscular dystrophy (BMD). Also called: MUSCULAR DYSTROPHY, PSEUDOHYPERTROPHIC PROGRESSIVE, BECKER TYPE; Becker Muscular Dystrophy (BMD). Identifiers: Orphanet 98895, MedGen C0917713, MONDO:0010311, OMIM 300376.
Dilated cardiomyopathy 3B (CMD3B). Also called: CMD3B: DMD-Related Dilated Cardiomyopathy; CARDIOMYOPATHY, DILATED, X-LINKED; DMD-Associated Dilated Cardiomyopathy. Identifiers: Orphanet 154, MedGen C3668940, MONDO:0010542, OMIM 302045.

Submissions (2):

Diagnostics Services (NGS), CSIR - Centre For Cellular And Molecular Biology
Classification: Likely pathogenic for Duchenne muscular dystrophy; Becker muscular dystrophy. Last evaluated: 2026-09-08. Review status: criteria provided, single submitter. Criteria: ACMG Guidelines, 2015. Collection method: clinical testing. Allele origin: germline. Affected: yes. Observed: 1 variant allele, 1 hemizygote.
Comment: The c.3786+5G>C variant is not present in publicly available population databases like 1000 Genomes, EVS, gnomAD, Indian Exome Database, GenomeIndia Database or in our internal database. This variant has been previously observed in individual(s) affected with DMD-related conditions and reported to the ClinVar database (Accession ID: VCV001806402.1) as ‘Uncertain Significance’ by a single submitter. This variant is located near the exon-intron splice junction of the gene (splice distance- 5 bp) and algorithms developed to predict the effect of sequence changes on RNA splicing suggest that this variant can disrupt the consensus splice site. In-silico pathogenicity prediction programs like HSF-Pro, CADD, Franklin (aggregated prediction) etc predicted this variant to be likely deleterious. Functional studies showed that this variant results in alternative splicing leading to exon 27 skipping in a patient with dilated cardiomyopathy [PMID: 37754746]. The variant has been classified as Likely Pathogenic following the PS3, PM2, PP3 criteria of ACMG guidelines.

Laboratory of Medical Genetics, National & Kapodistrian University of Athens
Classification: Uncertain significance for Dilated cardiomyopathy 3B. Last evaluated: 2022-12-16. Review status: criteria provided, single submitter. Criteria: ACMG Guidelines, 2015. Collection method: clinical testing. Allele origin: germline. Affected: yes.
Comment: PM2, PP3

Literature cited by the submitters: PubMed 37754746 (cited by Diagnostics Services (NGS), CSIR - Centre For Cellular And Molecular Biology).